The following is an entry in ClinVar:

NM_000443.4(ABCB4):c.1271C>G (p.Thr424Arg)

Gene: ABCB4 (ATP binding cassette subfamily B member 4; minus strand). Cytogenetic location: 7q21.12.
Variant type: single nucleotide variant.
Coding change: c.1271C>G on transcript NM_000443.4 (MANE Select); coding-DNA position 1271, C replaced by G.
Protein change: p.Thr424Arg; replaces threonine 424 with arginine.
Molecular consequence: missense variant.
Genome position (GRCh38, 1-based): chr7:87,443,404, G>C on the plus strand (C>G on the coding strand, the complement: ABCB4 is on the minus strand). VCF-style: chr7-87443404-G-C. GRCh37 (hg19) VCF-style: chr7-87072720-G-C.
Other names: c.1271C>G, p.Thr424Arg (NM_018849.3, NM_018850.3); short protein forms T424R.
Identifiers: ClinVar variation 4847941 (VCV004847941.1).
Genomic context (GRCh38, chr7:87,443,404, plus strand): 5'-CTCTGTATCAGCTGGACCGTTGTGCTCTTCCCACAGCCACTACTTCCAACCAGGGCCACC[G>C]TCTGCCCACTCTGCACCTTCAGGTTGAGGCCCTTCAAGATCTGTAAGGAAAATGAGAAAA-3'
Protein context (NP_000434.1, residues 414-434): GLNLKVQSGQ[Thr424Arg]VALVGSSGCG

ClinVar aggregate classification (germline): Uncertain significance (1 of 4 stars; one submission).

gnomAD v4.1: 1 of 1,613,814 alleles (0.000062%); highest among the groups gnomAD compares: African/African-American, 0.0013%; no homozygotes.

Submission:

Women's Health and Genetics/Laboratory Corporation of America, LabCorp
Classification: Uncertain significance. Last evaluated: 2026-02-25. Review status: criteria provided, single submitter. Criteria: LabCorp Variant Classification Summary - May 2015. Collection method: clinical testing. Allele origin: germline.
Comment: Variant summary: ABCB4 c.1271C>G (p.Thr424Arg) results in a non-conservative amino acid change in the encoded protein sequence. Algorithms developed to predict the effect of missense changes on protein structure and function all suggest that this variant is likely to be disruptive. The variant was absent in 251288 control chromosomes. The available data on variant occurrences in the general population are insufficient to allow any conclusion about variant significance. To our knowledge, no occurrence of c.1271C>G in individuals affected with ABCB4-related conditions and no experimental evidence demonstrating its impact on protein function have been reported. No submitters have cited clinical-significance assessments for this variant to ClinVar. Based on the evidence outlined above, the variant was classified as uncertain significance.